The following is an entry in ClinVar:

ClinVar aggregate classification (germline): Uncertain significance. Review status: criteria provided, single submitter (1 of 4 stars). 2 submissions from 2 submitters: Uncertain significance (1). 1 of the submissions does not count toward it. Last evaluated 2023-09-21.

Conditions:
DLX6-related disorder. Also called: DLX6-related condition.

Submissions (2):

Labcorp Genetics (formerly Invitae), Labcorp
Classification: Uncertain significance. Last evaluated: 2023-09-21. Review status: criteria provided, single submitter. Criteria: Invitae Variant Classification Sherloc (09022015). Collection method: clinical testing. Allele origin: germline.
Comment: This variant, c.87_98dup, results in the insertion of 4 amino acid(s) of the DLX6 protein (p.Gln41_Gln44dup), but otherwise preserves the integrity of the reading frame. This variant is not present in population databases (gnomAD no frequency). This variant has not been reported in the literature in individuals affected with DLX6-related conditions. Experimental studies and prediction algorithms are not available or were not evaluated, and the functional significance of this variant is currently unknown. In summary, the available evidence is currently insufficient to determine the role of this variant in disease. Therefore, it has been classified as a Variant of Uncertain Significance.

PreventionGenetics, part of Exact Sciences
Classification: Likely benign for DLX6-related condition. Last evaluated: 2021-07-15. Review status: no assertion criteria provided. Collection method: clinical testing. Allele origin: germline. Not counted in ClinVar's aggregate classification.
Comment: This variant is classified as likely benign based on ACMG/AMP sequence variant interpretation guidelines (Richards et al. 2015 PMID: 25741868, with internal and published modifications).

NM_005222.4(DLX6):c.75GCA[12] (p.Gln44_Pro45insGlnGlnGlnGln)

Genes: DLX6 (distal-less homeobox 6; plus strand), DLX6-AS1 (DLX6 antisense RNA 1; minus strand). Cytogenetic location: 7q21.3.
Variant type: Microsatellite.
Coding change: c.75GCA[12] on transcript NM_005222.4 (MANE Select); 12 copies in a row of the 3-base unit GCA starting at c.75; the reference has eight copies in a row; four copies, 12 bases duplicated.
Protein change: p.Gln44_Pro45insGlnGlnGlnGln.
Molecular consequence: inframe insertion.
Genome position (GRCh38, 1-based): chr7:97,006,064-97,006,075, GCAGCAGCAGCA duplicated; duplicating any 12 consecutive bases within chr7:97,006,052-97,006,075 gives the same sequence; the position shown is the placement nearest the transcript's 3' end. VCF-style (leftmost placement, unchanged base first): chr7-97006051-G-GGCAGCAGCAGCA. GRCh37 (hg19) VCF-style: chr7-96635363-G-GGCAGCAGCAGCA.
Other names: c.87_98dup12 (NM_005222.3).
Identifiers: ClinVar variation 2915783 (VCV002915783.5), dbSNP rs530625473, ClinGen allele CA163003039.
Genomic context (GRCh38, chr7:97,006,051, plus strand): 5'-CTACGATGGCTGACGGCTTGGAAGGCCAGGACTCGTCCAAATCCGCCTTCATGGAGTTCG[G>GGCAGCAGCAGCA]GCAGCAGCAGCAGCAGCAGCAGCAACAGCAGCAGCAGCAGCAGCAGCAACAGCAACAGCC-3'